The following is an entry in ClinVar:

ClinVar aggregate classification (germline): Uncertain significance. Review status: criteria provided, multiple submitters, no conflicts (2 of 4 stars). 5 submissions from 5 submitters: Uncertain significance (5). Last evaluated 2025-09-03.

Conditions:
AARS1-related disorder. Also called: AARS1-related condition.
Inborn genetic diseases. Identifiers: MedGen C0950123, MeSH D030342.
Charcot-Marie-Tooth disease type 2. Also called: Charcot-Marie-Tooth type 2. Identifiers: Orphanet 64746, MedGen C0270914, MONDO:0018993.

Allele frequency attached by ClinVar (database versions not stated): ExAC 0.00001; gnomAD exomes 0.00001; gnomAD 0.00005; 1000 Genomes Project 30x 0.00016; 1000 Genomes Project 0.00020.

Submissions (5):

PreventionGenetics, part of Exact Sciences
Classification: Uncertain significance for AARS1-related condition. Last evaluated: 2025-09-03. Review status: criteria provided, single submitter. Criteria: ACMG Guidelines, 2015. Collection method: clinical testing. Allele origin: germline.
Comment: The AARS1 c.418G>A variant is predicted to result in the amino acid substitution p.Gly140Arg. This variant has been reported in the compound heterozygous state with a missense variant in an individual with a neurodevelopmental disorder (Reported as 16:70310450:C:T, Supp. Table 1. Schmidt et al. 2024. PubMed ID: 39039281). This variant is reported in 0.0080% of alleles in individuals of African descent in gnomAD. At this time, the clinical significance of this variant is uncertain due to the absence of conclusive functional and genetic evidence.

Labcorp Genetics (formerly Invitae), Labcorp
Classification: Uncertain significance for Charcot-Marie-Tooth disease type 2. Last evaluated: 2025-06-10. Review status: criteria provided, single submitter. Criteria: Invitae Variant Classification Sherloc (09022015). Collection method: clinical testing. Allele origin: germline.
Comment: This sequence change replaces glycine, which is neutral and non-polar, with arginine, which is basic and polar, at codon 140 of the AARS protein (p.Gly140Arg). This variant is present in population databases (rs200438841, gnomAD 0.008%). This variant has not been reported in the literature in individuals affected with AARS-related conditions. ClinVar contains an entry for this variant (Variation ID: 1305286). Invitae Evidence Modeling of protein sequence and biophysical properties (such as structural, functional, and spatial information, amino acid conservation, physicochemical variation, residue mobility, and thermodynamic stability) indicates that this missense variant is expected to disrupt AARS protein function with a positive predictive value of 80%. In summary, the available evidence is currently insufficient to determine the role of this variant in disease. Therefore, it has been classified as a Variant of Uncertain Significance.

CeGaT Center for Human Genetics Tuebingen
Classification: Uncertain significance. Last evaluated: 2024-11-01. Review status: criteria provided, single submitter. Criteria: CeGaT Center For Human Genetics Tuebingen Variant Classification Criteria Version 2. Collection method: clinical testing. Allele origin: germline. Affected: yes. Observed: 2 variant alleles.
Comment: AARS1: PM2

GeneDx
Classification: Uncertain significance. Last evaluated: 2024-05-02. Review status: criteria provided, single submitter. Criteria: GeneDx Variant Classification Process June 2021. Collection method: clinical testing. Allele origin: germline. Affected: yes.
Comment: In silico analysis supports that this missense variant has a deleterious effect on protein structure/function; Has not been previously published as pathogenic or benign to our knowledge; In silico analysis suggests this variant may impact gene splicing. In the absence of RNA/functional studies, the actual effect of this sequence change is unknown.; This variant is associated with the following publications: (PMID: 25817015)

Ambry Genetics
Classification: Uncertain significance for Inborn genetic diseases. Last evaluated: 2021-01-11. Review status: criteria provided, single submitter. Criteria: Ambry Variant Classification Scheme 2023. Collection method: clinical testing. Allele origin: germline.
Comment: The p.G140R variant (also known as c.418G>A), located in coding exon 3 of the AARS gene, results from a G to A substitution at nucleotide position 418. The glycine at codon 140 is replaced by arginine, an amino acid with dissimilar properties. This amino acid position is highly conserved in available vertebrate species. In addition, this alteration is predicted to be deleterious by in silico analysis. Since supporting evidence is limited at this time, the clinical significance of this alteration remains unclear.

NM_001605.3(AARS1):c.418G>A (p.Gly140Arg)

Gene: AARS1 (alanyl-tRNA synthetase 1; minus strand). Cytogenetic location: 16q22.1.
Variant type: single nucleotide variant.
Coding change: c.418G>A on transcript NM_001605.3 (MANE Select); coding-DNA position 418, G replaced by A.
Protein change: p.Gly140Arg; replaces glycine 140 with arginine.
Molecular consequence: missense variant.
Genome position (GRCh38, 1-based): chr16:70,276,547, C>T on the plus strand (G>A on the coding strand, the complement: AARS1 is on the minus strand). VCF-style: chr16-70276547-C-T. GRCh37 (hg19) VCF-style: chr16-70310450-C-T.
Other names: short protein forms G140R.
Identifiers: ClinVar variation 1305286 (VCV001305286.31), dbSNP rs200438841, ClinGen allele CA8141140.
Genomic context (GRCh38, chr16:70,276,547, plus strand): 5'-CCAAATTTTGCCAGATCTGTTTGCATTCCAGATCTGCTTCTAAGCCAGCTGCTTCATCCC[C>T]GCCAAAGTAAGTAACATAAAGTCTTTCAATGGGAATGCCAAACTCTTGGGTGAGGAGTTC-3'
Protein context (NP_001596.2, residues 130-150): IERLYVTYFG[Gly140Arg]DEAAGLEADL